The following is an entry in ClinVar:

ClinVar aggregate classification (germline): Uncertain significance. Review status: criteria provided, multiple submitters, no conflicts (2 of 4 stars). 2 submissions from 2 submitters: Uncertain significance (2). Last evaluated 2025-12-16.

Conditions:
Hypercholesterolemia, autosomal dominant, 3 (FHCL3). Also called: PCSK9-Related Familial Hypercholesterolemia, Autosomal Dominant; Familial hypercholesterolemia 3; Familial Hypercholesterolemia, Autosomal Dominant, 3. Identifiers: MedGen C1863551, MONDO:0011369, OMIM 603776.

Allele frequency attached by ClinVar (database versions not stated): gnomAD exomes below 0.00001; gnomAD 0.00001.
gnomAD v4.1: 2 of 1,611,682 alleles (0.00012%); highest among the groups gnomAD compares: Non-Finnish European, 0.00017%; no homozygotes.

Submissions (2):

Labcorp Genetics (formerly Invitae), Labcorp
Classification: Uncertain significance for Hypercholesterolemia, autosomal dominant, 3. Last evaluated: 2025-12-16. Review status: criteria provided, single submitter. Criteria: Invitae Variant Classification Sherloc (09022015). Collection method: clinical testing. Allele origin: germline.
Comment: This sequence change replaces glutamic acid, which is acidic and polar, with valine, which is neutral and non-polar, at codon 690 of the PCSK9 protein (p.Glu690Val). This variant is not present in population databases (gnomAD no frequency). This variant has not been reported in the literature in individuals affected with PCSK9-related conditions. ClinVar contains an entry for this variant (Variation ID: 2583141). Invitae Evidence Modeling of protein sequence and biophysical properties (such as structural, functional, and spatial information, amino acid conservation, physicochemical variation, residue mobility, and thermodynamic stability) indicates that this missense variant is not expected to disrupt PCSK9 protein function with a negative predictive value of 95%. Algorithms developed to predict the effect of sequence changes on RNA splicing suggest that this variant may create or strengthen a splice site. In summary, the available evidence is currently insufficient to determine the role of this variant in disease. Therefore, it has been classified as a Variant of Uncertain Significance.

Human Genetics Bochum, Ruhr University Bochum
Classification: Uncertain significance for Hypercholesterolemia, autosomal dominant, 3. Last evaluated: 2023-06-06. Review status: criteria provided, single submitter. Criteria: ACMG Guidelines, 2015. Collection method: clinical testing. Allele origin: germline. Affected: yes.
Comment: ACMG criteria used to clasify this variant: PM1, PM2_SUP, BP4

NM_174936.4(PCSK9):c.2069A>T (p.Glu690Val)

Gene: PCSK9 (proprotein convertase subtilisin/kexin type 9; plus strand). Cytogenetic location: 1p32.3.
Variant type: single nucleotide variant.
Coding change: c.2069A>T on transcript NM_174936.4 (MANE Select); coding-DNA position 2069, A replaced by T.
Protein change: p.Glu690Val; replaces glutamic acid 690 with valine.
Molecular consequence: missense variant. On other transcripts: non-coding transcript variant (8).
Genome position (GRCh38, 1-based): chr1:55,063,574, A>T. VCF-style: chr1-55063574-A-T. GRCh37 (hg19) VCF-style: chr1-55529247-A-T.
Other names: c.2192A>T, p.Glu731Val (NM_001407240.1); c.2111A>T, p.Glu704Val (NM_001407241.1); c.2072A>T, p.Glu691Val (NM_001407242.1); c.2012A>T, p.Glu671Val (NM_001407243.1); c.1895A>T, p.Glu632Val (NM_001407244.1); c.1877A>T, p.Glu626Val (NM_001407245.1); c.1694A>T, p.Glu565Val (NM_001407246.1); c.1568A>T, p.Glu523Val (NM_001407247.1); short protein forms E523V, E565V, E626V, E632V, E671V, E690V, E691V, E704V.
Identifiers: ClinVar variation 2583141 (VCV002583141.2), dbSNP rs896285434, ClinGen allele CA340480945.